The following is an entry in ClinVar:

ClinVar aggregate classification (germline): Uncertain significance. Review status: criteria provided, multiple submitters, no conflicts (2 of 4 stars). 3 submissions from 3 submitters: Uncertain significance (2). 1 of the submissions does not count toward it. Last evaluated 2024-07-24.

Conditions:
DIS3L2-related disorder. Also called: DIS3L2-related condition.
Perlman syndrome (PRLMNS). Identifiers: Orphanet 2849, MedGen C0796113, MONDO:0009965, OMIM 267000.
Inborn genetic diseases. Identifiers: MedGen C0950123, MeSH D030342.

Allele frequency attached by ClinVar (database versions not stated): gnomAD 0.00001; gnomAD exomes 0.00001 and 0.00002; ExAC 0.00002; TOPMed 0.00002.
gnomAD v4.1: 14 of 1,613,566 alleles (0.00087%); highest among the groups gnomAD compares: East Asian, 0.0067%; no homozygotes.

Submissions (3):

Labcorp Genetics (formerly Invitae), Labcorp
Classification: Uncertain significance for Perlman syndrome. Last evaluated: 2024-07-24. Review status: criteria provided, single submitter. Criteria: Invitae Variant Classification Sherloc (09022015). Collection method: clinical testing. Allele origin: germline.
Comment: This sequence change replaces arginine, which is basic and polar, with glutamine, which is neutral and polar, at codon 388 of the DIS3L2 protein (p.Arg388Gln). This variant is present in population databases (rs754008215, gnomAD 0.02%). This variant has not been reported in the literature in individuals affected with DIS3L2-related conditions. ClinVar contains an entry for this variant (Variation ID: 580061). Advanced modeling of protein sequence and biophysical properties (such as structural, functional, and spatial information, amino acid conservation, physicochemical variation, residue mobility, and thermodynamic stability) performed at Invitae indicates that this missense variant is not expected to disrupt DIS3L2 protein function with a negative predictive value of 80%. In summary, the available evidence is currently insufficient to determine the role of this variant in disease. Therefore, it has been classified as a Variant of Uncertain Significance.

Ambry Genetics
Classification: Uncertain significance for Inborn genetic diseases. Last evaluated: 2021-03-02. Review status: criteria provided, single submitter. Criteria: Ambry Variant Classification Scheme 2023. Collection method: clinical testing. Allele origin: germline.
Comment: The c.1163G>A (p.R388Q) alteration is located in exon 10 (coding exon 9) of the DIS3L2 gene. This alteration results from a G to A substitution at nucleotide position 1163, causing the arginine (R) at amino acid position 388 to be replaced by a glutamine (Q). The p.R388Q alteration is predicted to be tolerated by in silico analysis. Based on insufficient or conflicting evidence, the clinical significance of this alteration remains unclear.

PreventionGenetics, part of Exact Sciences
Classification: Uncertain significance for DIS3L2-related condition. Last evaluated: 2024-08-07. Review status: no assertion criteria provided. Collection method: clinical testing. Allele origin: germline. Not counted in ClinVar's aggregate classification.
Comment: The DIS3L2 c.1163G>A variant is predicted to result in the amino acid substitution p.Arg388Gln. To our knowledge, this variant has not been reported in the literature. This variant is reported in 0.015% of alleles in individuals of East Asian descent in gnomAD. This variant is interpreted as uncertain in ClinVar. At this time, the clinical significance of this variant is uncertain due to the absence of conclusive functional and genetic evidence.

NM_152383.5(DIS3L2):c.1163G>A (p.Arg388Gln)

Gene: DIS3L2 (DIS3 like 3'-5' exoribonuclease 2; plus strand). Cytogenetic location: 2q37.1.
Variant type: single nucleotide variant.
Coding change: c.1163G>A on transcript NM_152383.5 (MANE Select); coding-DNA position 1163, G replaced by A.
Protein change: p.Arg388Gln; replaces arginine 388 with glutamine.
Molecular consequence: missense variant. On other transcripts: non-coding transcript variant (2).
Genome position (GRCh38, 1-based): chr2:232,210,364, G>A. VCF-style: chr2-232210364-G-A. GRCh37 (hg19) VCF-style: chr2-233075074-G-A.
Other names: c.1163G>A, p.Arg388Gln (NM_001257281.2); short protein forms R388Q.
Identifiers: ClinVar variation 580061 (VCV000580061.12), dbSNP rs754008215, ClinGen allele CA2164054.
Genomic context (GRCh38, chr2:232,210,364, plus strand): 5'-TTGTTTCTTCACTCTTTCCTAGAAAAGACTGTATCTTCACCATTGACCCATCAACCGCCC[G>A]AGACCTCGATGATGCCCTCTCCTGCAAGCCACTCGCTGACGGTAGGATGGAAATTTCTAT-3'
Protein context (NP_689596.4, residues 378-398): CIFTIDPSTA[Arg388Gln]DLDDALSCKP